The following is an entry in ClinVar:

ClinVar aggregate classification (germline): Uncertain significance (1 of 4 stars; one submission).

Conditions:
Inborn genetic diseases. Identifiers: MedGen C0950123, MeSH D030342.

Submission:

Ambry Genetics
Classification: Uncertain significance for Inborn genetic diseases. Last evaluated: 2026-01-14. Review status: criteria provided, single submitter. Criteria: Ambry Variant Classification Scheme 2023. Collection method: clinical testing. Allele origin: germline.
Comment: The p.G63V variant (also known as c.188G>T), located in coding exon 2 of the SBDS gene, results from a G to T substitution at nucleotide position 188. The glycine at codon 63 is replaced by valine, an amino acid with dissimilar properties. This amino acid position is conserved. In addition, this alteration is predicted to be deleterious by in silico analysis. Based on the available evidence, the clinical significance of this variant remains unclear.

NM_016038.4(SBDS):c.188G>T (p.Gly63Val)

Gene: SBDS (SBDS ribosome maturation factor; minus strand). Cytogenetic location: 7q11.21.
Variant type: single nucleotide variant.
Coding change: c.188G>T on transcript NM_016038.4 (MANE Select); coding-DNA position 188, G replaced by T.
Protein change: p.Gly63Val; replaces glycine 63 with valine.
Molecular consequence: missense variant.
Genome position (GRCh38, 1-based): chr7:66,994,282, C>A on the plus strand (G>T on the coding strand, the complement: SBDS is on the minus strand). VCF-style: chr7-66994282-C-A. GRCh37 (hg19) VCF-style: chr7-66459269-C-A.
Other names: short protein forms G63V.
Identifiers: ClinVar variation 4843101 (VCV004843101.1).
Genomic context (GRCh38, chr7:66,994,282, plus strand): 5'-ATTTCAGTTTGGTCATCTGTTCCAAACGCACTGATGAGATCTTCCTTTTTGGCAACCTGA[C>A]CTTTAGAAACATTTACAAACACTGAGTGGGTCTGCAGAACTTCATCGAGGTCTTTTTCCC-3'
Protein context (NP_057122.2, residues 53-73): THSVFVNVSK[Gly63Val]QVAKKEDLIS